The following is an entry in ClinVar:

NM_014363.6(SACS):c.6141dup (p.Glu2048Ter)

Gene: SACS (sacsin molecular chaperone; minus strand). Cytogenetic location: 13q12.12.
Variant type: Duplication.
Coding change: c.6141dup on transcript NM_014363.6 (MANE Select); coding-DNA position 6141, one base duplicated (T; older notation c.6141dupT).
Protein change: p.Glu2048Ter; replaces glutamic acid 2048 with a stop codon.
Molecular consequence: nonsense.
Genome position (GRCh38, 1-based): chr13:23,337,735, A duplicated on the plus strand (T on the coding strand, the reverse complement: SACS is on the minus strand); the first of 2 consecutive A bases (chr13:23,337,735-23,337,736); duplicating either gives the same sequence. VCF-style (leftmost placement, unchanged base first): chr13-23337734-C-CA. GRCh37 (hg19) VCF-style: chr13-23911873-C-CA.
Other names: c.5700dup, p.Glu1901Ter (NM_001278055.2); c.6168dup, p.Glu2057Ter (NM_001437336.1); short protein forms E1901*, E2048*, E2057*.
Identifiers: ClinVar variation 4815708 (VCV004815708.1).
Genomic context (GRCh38, chr13:23,337,734, plus strand): 5'-TTTCTTGAATATTTGGAAAAAACACTTCAGAAAAAAACTGTTTCTCTGAAAATGTGTTTT[C>CA]AAGTAGTATCTGTTTGCAGCCAGCTTCTTCAAATCCTAATTTTACCGAAGAAGGAAGTTC-3'

ClinVar aggregate classification (germline): Likely pathogenic (1 of 4 stars; one submission).

Conditions:
Charlevoix-Saguenay spastic ataxia (SACS). Also called: AUTOSOMAL RECESSIVE SPASTIC ATAXIA OF CHARLEVOIX-SAGUENAY; Spastic ataxia of Charlevoix-Saguenay; SPASTIC ATAXIA 6, AUTOSOMAL RECESSIVE. Identifiers: Orphanet 98, MedGen C1849140, MONDO:0010041, OMIM 270550.

Submission:

Natera, Inc.
Classification: Likely pathogenic for Charlevoix-Saguenay type spastic ataxia. Last evaluated: 2024-07-30. Review status: criteria provided, single submitter. Criteria: Natera Variant Classification Schema (03/2026). Collection method: clinical testing. Allele origin: germline.
Comment: The c.6141dup variant in SACS is a frameshift variant predicted to shift the reading frame and introduce a stop codon. This variant is expected to result in nonsense mediated decay, truncation, or a dysfunctional protein product. This variant is rare in the general population with a frequency below the threshold expected for the associated phenotype(s). Given the available evidence, this variant is classified as Likely Pathogenic.